The following is an entry in ClinVar:

NM_000059.4(BRCA2):c.6989T>A (p.Ile2330Asn)

Gene: BRCA2 (BRCA2 DNA repair associated; plus strand). Cytogenetic location: 13q13.1.
Variant type: single nucleotide variant.
Coding change: c.6989T>A on transcript NM_000059.4 (MANE Select); coding-DNA position 6989, T replaced by A.
Protein change: p.Ile2330Asn; replaces isoleucine 2330 with asparagine.
Molecular consequence: missense variant. On other transcripts: non-coding transcript variant (1).
Genome position (GRCh38, 1-based): chr13:32,346,878, T>A. VCF-style: chr13-32346878-T-A. GRCh37 (hg19) VCF-style: chr13-32921015-T-A.
Other names: c.6893T>A, p.Ile2298Asn (NM_001406719.1); c.6989T>A, p.Ile2330Asn (NM_001406720.1, NM_001432077.1); c.2057T>A, p.Ile686Asn (NM_001406721.1); c.572T>A, p.Ile191Asn (NM_001406722.1); short protein forms I686N, I191N, I2298N, I2330N.
Identifiers: ClinVar variation 3636514 (VCV003636514.2).
Genomic context (GRCh38, chr13:32,346,878, plus strand): 5'-GTTTCCTAGGCACAATAAAAGATCGAAGATTGTTTATGCATCATGTTTCTTTAGAGCCGA[T>A]TACCTGTGTACCCTTTCGGTAAGACATGTTTAAATTTTTCTAAATTCTAATACAGTATGA-3'
Protein context (NP_000050.3, residues 2320-2340): LFMHHVSLEP[Ile2330Asn]TCVPFRTTKE

ClinVar aggregate classification (germline): Uncertain significance. Review status: criteria provided, multiple submitters, no conflicts (2 of 4 stars). 2 submissions from 2 submitters: Uncertain significance (2). Last evaluated 2025-02-28.

Conditions:
Hereditary breast ovarian cancer syndrome. Also called: Hereditary breast and ovarian cancer syndrome; Hereditary breast and ovarian cancer syndrome (HBOC); BRCA1- and BRCA2-Associated Hereditary Breast and Ovarian Cancer; Hereditary breast and ovarian cancer; Breast and ovarian cancer; Hereditary breast and/or ovarian cancer syndrome. Identifiers: Orphanet 145, MedGen C0677776, MeSH D061325, MONDO:0003582. Disease mechanism: loss of function.
Hereditary cancer-predisposing syndrome. Also called: Neoplastic Syndromes, Hereditary; Tumor predisposition; Hereditary Cancer Syndrome; Hereditary neoplastic syndrome. Identifiers: Orphanet 140162, MedGen C0027672, MeSH D009386, MONDO:0015356.

Submissions (2):

Ambry Genetics
Classification: Uncertain significance for Hereditary cancer-predisposing syndrome. Last evaluated: 2025-02-28. Review status: criteria provided, single submitter. Criteria: Ambry Variant Classification Scheme 2023. Collection method: clinical testing. Allele origin: germline.
Comment: The p.I2330N variant (also known as c.6989T>A), located in coding exon 12 of the BRCA2 gene, results from a T to A substitution at nucleotide position 6989. The isoleucine at codon 2330 is replaced by asparagine, an amino acid with dissimilar properties. This amino acid position is not well conserved in available vertebrate species. In addition, the in silico prediction for this alteration is inconclusive. Based on the available evidence, the clinical significance of this variant remains unclear.

Labcorp Genetics (formerly Invitae), Labcorp
Classification: Uncertain significance for Hereditary breast ovarian cancer syndrome. Last evaluated: 2024-09-09. Review status: criteria provided, single submitter. Criteria: Invitae Variant Classification Sherloc (09022015). Collection method: clinical testing. Allele origin: germline.
Comment: This sequence change replaces isoleucine, which is neutral and non-polar, with asparagine, which is neutral and polar, at codon 2330 of the BRCA2 protein (p.Ile2330Asn). This variant is not present in population databases (gnomAD no frequency). This variant has not been reported in the literature in individuals affected with BRCA2-related conditions. Invitae Evidence Modeling of protein sequence and biophysical properties (such as structural, functional, and spatial information, amino acid conservation, physicochemical variation, residue mobility, and thermodynamic stability) indicates that this missense variant is not expected to disrupt BRCA2 protein function with a negative predictive value of 95%. In summary, the available evidence is currently insufficient to determine the role of this variant in disease. Therefore, it has been classified as a Variant of Uncertain Significance.